The following is an entry in ClinVar:

ClinVar aggregate classification (germline): Uncertain significance (1 of 4 stars; one submission).

Allele frequency attached by ClinVar (database versions not stated): gnomAD exomes below 0.00001; TOPMed 0.00002.
gnomAD v4.1: 2 of 1,535,852 alleles (0.00013%); highest among the groups gnomAD compares: Admixed American, 0.0021%; no homozygotes.

Submission:

Labcorp Genetics (formerly Invitae), Labcorp
Classification: Uncertain significance. Last evaluated: 2023-09-09. Review status: criteria provided, single submitter. Criteria: Invitae Variant Classification Sherloc (09022015). Collection method: clinical testing. Allele origin: germline.
Comment: This sequence change replaces proline, which is neutral and non-polar, with serine, which is neutral and polar, at codon 781 of the COL4A2 protein (p.Pro781Ser). The frequency data for this variant in the population databases is considered unreliable, as metrics indicate poor data quality at this position in the gnomAD database. This variant has not been reported in the literature in individuals affected with COL4A2-related conditions. Advanced modeling of protein sequence and biophysical properties (such as structural, functional, and spatial information, amino acid conservation, physicochemical variation, residue mobility, and thermodynamic stability) performed at Invitae indicates that this missense variant is not expected to disrupt COL4A2 protein function. In summary, the available evidence is currently insufficient to determine the role of this variant in disease. Therefore, it has been classified as a Variant of Uncertain Significance.

NM_001846.4(COL4A2):c.2341C>T (p.Pro781Ser)

Gene: COL4A2 (collagen type IV alpha 2 chain; plus strand). Cytogenetic location: 13q34.
Variant type: single nucleotide variant.
Coding change: c.2341C>T on transcript NM_001846.4 (MANE Select); coding-DNA position 2341, C replaced by T.
Protein change: p.Pro781Ser; replaces proline 781 with serine.
Molecular consequence: missense variant.
Genome position (GRCh38, 1-based): chr13:110,473,066, C>T. VCF-style: chr13-110473066-C-T. GRCh37 (hg19) VCF-style: chr13-111125413-C-T.
Other names: short protein forms P781S.
Identifiers: ClinVar variation 2978234 (VCV002978234.3), dbSNP rs1393158472, ClinGen allele CA388742466.